The following is an entry in ClinVar:

ClinVar aggregate classification (germline): Likely benign (1 of 4 stars; one submission).

Submission:

CeGaT Center for Human Genetics Tuebingen
Classification: Likely benign. Last evaluated: 2025-08-01. Review status: criteria provided, single submitter. Criteria: CeGaT Center For Human Genetics Tuebingen Variant Classification Criteria Version 2. Collection method: clinical testing. Allele origin: germline. Affected: yes. Observed: 1 variant allele.
Comment: NBPF10: PM2:Supporting, BP4, BP7

NM_001302371.3(NBPF10):c.8451G>A (p.Arg2817=)

Gene: NBPF10 (NBPF member 10; minus strand). Cytogenetic location: 1q21.1.
Variant type: single nucleotide variant.
Coding change: c.8451G>A on transcript NM_001302371.3 (MANE Select); coding-DNA position 8451, G replaced by A.
Protein change: p.Arg2817=; no amino-acid change (arginine 2817 retained).
Molecular consequence: synonymous variant.
Genome position (GRCh38, 1-based): chr1:146,083,900, C>T on the plus strand (G>A on the coding strand, the complement: NBPF10 is on the minus strand). VCF-style: chr1-146083900-C-T. GRCh37 (hg19) VCF-style: chr1-145354304-G-A.
Other names: c.8451G>A, p.Arg2817= (NM_001039703.6).
Identifiers: ClinVar variation 4084443 (VCV004084443.8).